The following is an entry in ClinVar:

ClinVar aggregate classification (germline): Uncertain significance (0 of 4 stars; one submission).

Conditions:
PKD1L1-related disorder. Also called: PKD1L1-related condition.

gnomAD v4.1: 15 of 1,605,102 alleles (0.00093%); highest among the groups gnomAD compares: South Asian, 0.0011%; no homozygotes.

Submission:

PreventionGenetics, part of Exact Sciences
Classification: Uncertain significance for PKD1L1-related condition. Last evaluated: 2024-07-08. Review status: no assertion criteria provided. Collection method: clinical testing. Allele origin: germline.
Comment: The PKD1L1 c.3416C>T variant is predicted to result in the amino acid substitution p.Ala1139Val. To our knowledge, this variant has not been reported in the literature. This variant is reported in 0.0024% of alleles in individuals of European (Non-Finnish) descent in gnomAD. At this time, the clinical significance of this variant is uncertain due to the absence of conclusive functional and genetic evidence.

NM_138295.5(PKD1L1):c.3416C>T (p.Ala1139Val)

Gene: PKD1L1 (polycystin 1 like 1, transient receptor potential channel interacting; minus strand). Cytogenetic location: 7p12.3.
Variant type: single nucleotide variant.
Coding change: c.3416C>T on transcript NM_138295.5 (MANE Select); coding-DNA position 3416, C replaced by T.
Protein change: p.Ala1139Val; replaces alanine 1139 with valine.
Molecular consequence: missense variant.
Genome position (GRCh38, 1-based): chr7:47,881,935, G>A on the plus strand (C>T on the coding strand, the complement: PKD1L1 is on the minus strand). VCF-style: chr7-47881935-G-A. GRCh37 (hg19) VCF-style: chr7-47921533-G-A.
Other names: short protein forms A1139V.
Identifiers: ClinVar variation 3358351 (VCV003358351.1).